The following is an entry in ClinVar:

NM_004183.4(BEST1):c.749C>G (p.Thr250Ser)

Gene: BEST1 (bestrophin 1; plus strand). Cytogenetic location: 11q12.3.
Variant type: single nucleotide variant.
Coding change: c.749C>G on transcript NM_004183.4 (MANE Select); coding-DNA position 749, C replaced by G.
Protein change: p.Thr250Ser; replaces threonine 250 with serine.
Molecular consequence: missense variant. On other transcripts: non-coding transcript variant (1).
Genome position (GRCh38, 1-based): chr11:61,958,180, C>G. VCF-style: chr11-61958180-C-G. GRCh37 (hg19) VCF-style: chr11-61725652-C-G.
Other names: c.569C>G, p.Thr190Ser (NM_001139443.3, NM_001300786.2, NM_001300787.2); c.431C>G, p.Thr144Ser (NM_001363591.3); c.749C>G, p.Thr250Ser (NM_001363592.2); c.-427C>G (NM_001363593.3); short protein forms T144S, T190S, T250S.
Identifiers: ClinVar variation 941146 (VCV000941146.11), dbSNP rs369870892, ClinGen allele CA6040850.

ClinVar aggregate classification (germline): Uncertain significance. Review status: criteria provided, multiple submitters, no conflicts (2 of 4 stars). 3 submissions from 3 submitters: Uncertain significance (3). Last evaluated 2025-04-28.

Conditions:
Inborn genetic diseases. Identifiers: MedGen C0950123, MeSH D030342.

Allele frequency attached by ClinVar (database versions not stated): ExAC 0.00003; gnomAD 0.00005; gnomAD exomes 0.00005; TOPMed 0.00007; ESP Exome Variant Server 0.00008.
gnomAD v4.1: 185 of 1,613,948 alleles (0.011%); highest among the groups gnomAD compares: Non-Finnish European, 0.015%; no homozygotes.

Submissions (3):

Labcorp Genetics (formerly Invitae), Labcorp
Classification: Uncertain significance. Last evaluated: 2025-04-28. Review status: criteria provided, single submitter. Criteria: Invitae Variant Classification Sherloc (09022015). Collection method: clinical testing. Allele origin: germline.
Comment: This sequence change replaces threonine, which is neutral and polar, with serine, which is neutral and polar, at codon 250 of the BEST1 protein (p.Thr250Ser). This variant is present in population databases (rs369870892, gnomAD 0.01%). This variant has not been reported in the literature in individuals affected with BEST1-related conditions. ClinVar contains an entry for this variant (Variation ID: 941146). Invitae Evidence Modeling of protein sequence and biophysical properties (such as structural, functional, and spatial information, amino acid conservation, physicochemical variation, residue mobility, and thermodynamic stability) has been performed for this missense variant. However, the output from this modeling did not meet the statistical confidence thresholds required to predict the impact of this variant on BEST1 protein function. In summary, the available evidence is currently insufficient to determine the role of this variant in disease. Therefore, it has been classified as a Variant of Uncertain Significance.

Ambry Genetics
Classification: Uncertain significance for Inborn genetic diseases. Last evaluated: 2024-11-24. Review status: criteria provided, single submitter. Criteria: Ambry Variant Classification Scheme 2023. Collection method: clinical testing. Allele origin: germline.

Blueprint Genetics
Classification: Uncertain significance. Last evaluated: 2023-11-07. Review status: criteria provided, single submitter. Criteria: ACMG Guidelines, 2015. Collection method: clinical testing. Allele origin: germline.